The following is an entry in ClinVar:

NM_033380.3(COL4A5):c.902G>A (p.Gly301Asp)

Gene: COL4A5 (collagen type IV alpha 5 chain; plus strand). Cytogenetic location: Xq22.3.
Variant type: single nucleotide variant.
Coding change: c.902G>A on transcript NM_033380.3 (MANE Select); coding-DNA position 902, G replaced by A.
Protein change: p.Gly301Asp; replaces glycine 301 with aspartic acid.
Molecular consequence: missense variant.
Genome position (GRCh38, 1-based): chrX:108,580,993, G>A. VCF-style: chrX-108580993-G-A. GRCh37 (hg19) VCF-style: chrX-107824223-G-A.
Other names: c.902G>A, p.Gly301Asp (NM_000495.5); short protein forms G301D.
Identifiers: ClinVar variation 618580 (VCV000618580.16), dbSNP rs1569491075, ClinGen allele CA413926792.

ClinVar aggregate classification (germline): Likely pathogenic. Review status: criteria provided, multiple submitters, no conflicts (2 of 4 stars). 2 submissions from 2 submitters: Likely pathogenic (2). Last evaluated 2023-09-27.

Submissions (2):

Labcorp Genetics (formerly Invitae), Labcorp
Classification: Likely pathogenic. Last evaluated: 2023-09-27. Review status: criteria provided, single submitter. Criteria: Invitae Variant Classification Sherloc (09022015). Collection method: clinical testing. Allele origin: germline.
Comment: This sequence change replaces glycine, which is neutral and non-polar, with aspartic acid, which is acidic and polar, at codon 301 of the COL4A5 protein (p.Gly301Asp). This variant is not present in population databases (gnomAD no frequency). This missense change has been observed in individual(s) with X-linked Alport syndrome (Invitae). ClinVar contains an entry for this variant (Variation ID: 618580). Advanced modeling of protein sequence and biophysical properties (such as structural, functional, and spatial information, amino acid conservation, physicochemical variation, residue mobility, and thermodynamic stability) performed at Invitae indicates that this missense variant is expected to disrupt COL4A5 protein function. In summary, the currently available evidence indicates that the variant is pathogenic, but additional data are needed to prove that conclusively. Therefore, this variant has been classified as Likely Pathogenic. This variant disrupts the triple helix domain of COL4A5. Glycine residues within the Gly-Xaa-Yaa repeats of the triple helix domain are required for the structure and stability of fibrillar collagens (PMID: 7695699, 8218237, 19344236). In COL4A5, missense variants at these glycine residues are significantly enriched in individuals with disease (PMID: 23720012, 27627812) compared to the general population (ExAC).

ARUP Laboratories, Molecular Genetics and Genomics, ARUP Laboratories
Classification: Likely pathogenic. Last evaluated: 2018-01-11. Review status: criteria provided, single submitter. Criteria: ARUP Molecular Germline Variant Investigation Process. Collection method: clinical testing. Allele origin: germline.
Comment: The COL4A5 c.902G>A; p.Gly301Asp variant is not reported in the literature or gene-specific variant databases. It is also absent from the general population databases (1000 Genomes Project, Exome Variant Server, Genome Aggregation Database), indicating it is not a common polymorphism. The glycine at codon 301 is highly conserved across species and computational algorithms (SIFT, PolyPhen2, MutationTaster) predict this variant to be deleterious. Variants that create or remove a glycine are often pathogenic due to glycine repeats (Persikov 2004, Weerakkody 2016). Based on the information above, this variant is likely pathogenic. References: Persikov AV et al. Stability related bias in residues replacing glycines within the collagen triple helix (Gly-Xaa-Yaa) in inherited connective tissue disorders. Hum Mutat. 2004 Oct;24(4):330-7. Weerakkody RA et al. Targeted next-generation sequencing makes new molecular diagnoses and expands genotype-phenotype relationship in Ehlers-Danlos syndrome. Genet Med. 2016 Nov;18(11):1119-1127.

Literature cited by the submitters: PubMed 7695699 (cited by Labcorp Genetics (formerly Invitae), Labcorp); PubMed 8218237 (cited by Labcorp Genetics (formerly Invitae), Labcorp); PubMed 19344236 (cited by Labcorp Genetics (formerly Invitae), Labcorp); PubMed 23720012 (cited by Labcorp Genetics (formerly Invitae), Labcorp); PubMed 27627812 (cited by Labcorp Genetics (formerly Invitae), Labcorp).